The following is an entry in ClinVar:

ClinVar aggregate classification (germline): Likely pathogenic (1 of 4 stars; one submission).

Conditions:
Familial thoracic aortic aneurysm and aortic dissection (TAAD). Also called: Thoracic aortic aneurysms and dissections. Identifiers: Orphanet 91387, MedGen C4707243, MONDO:0019625.

Allele frequency attached by ClinVar (database versions not stated): gnomAD 0.00001.
gnomAD v4.1: 1 of 1,614,094 alleles (0.000062%); highest among the groups gnomAD compares: Non-Finnish European, 0.000085%; no homozygotes.

Submission:

Labcorp Genetics (formerly Invitae), Labcorp
Classification: Likely pathogenic for Familial thoracic aortic aneurysm and aortic dissection. Last evaluated: 2023-01-18. Review status: criteria provided, single submitter. Criteria: Invitae Variant Classification Sherloc (09022015). Collection method: clinical testing. Allele origin: germline.
Comment: In summary, the currently available evidence indicates that the variant is pathogenic, but additional data are needed to prove that conclusively. Therefore, this variant has been classified as Likely Pathogenic. This variant disrupts the p.Trp504 amino acid residue in TGFBR2. Other variant(s) that disrupt this residue have been determined to be pathogenic (Invitae). This suggests that this residue is clinically significant, and that variants that disrupt this residue are likely to be disease-causing. Advanced modeling of protein sequence and biophysical properties (such as structural, functional, and spatial information, amino acid conservation, physicochemical variation, residue mobility, and thermodynamic stability) performed at Invitae indicates that this missense variant is expected to disrupt TGFBR2 protein function. This missense change has been observed in individual(s) with clinical features of Loeys-Dietz syndrome (Invitae). This variant is not present in population databases (gnomAD no frequency). This sequence change replaces tryptophan, which is neutral and slightly polar, with cysteine, which is neutral and slightly polar, at codon 504 of the TGFBR2 protein (p.Trp504Cys).

NM_003242.6(TGFBR2):c.1512G>C (p.Trp504Cys)

Gene: TGFBR2 (transforming growth factor beta receptor 2; plus strand). Cytogenetic location: 3p24.1.
Variant type: single nucleotide variant.
Coding change: c.1512G>C on transcript NM_003242.6 (MANE Select); coding-DNA position 1512, G replaced by C.
Protein change: p.Trp504Cys; replaces tryptophan 504 with cysteine.
Molecular consequence: missense variant.
Genome position (GRCh38, 1-based): chr3:30,688,499, G>C. VCF-style: chr3-30688499-G-C. GRCh37 (hg19) VCF-style: chr3-30729991-G-C.
Other names: c.1587G>C, p.Trp529Cys (NM_001024847.3); c.1695G>C, p.Trp565Cys (NM_001407126.1); c.1620G>C, p.Trp540Cys (NM_001407127.1); c.1539G>C, p.Trp513Cys (NM_001407128.1); c.1515G>C, p.Trp505Cys (NM_001407129.1); c.1509G>C, p.Trp503Cys (NM_001407130.1); c.1407G>C, p.Trp469Cys (NM_001407132.1, NM_001407133.1, NM_001407134.1 and 2 more transcripts); c.1227G>C, p.Trp409Cys (NM_001407137.1); and 2 more; short protein forms W214C, W384C, W503C, W513C, W540C, W469C, W529C, W409C.
Identifiers: ClinVar variation 2845825 (VCV002845825.3), dbSNP rs1575165272, ClinGen allele CA351809438.